The following is an entry in ClinVar:

ClinVar aggregate classification (germline): Uncertain significance (1 of 4 stars; one submission).

Conditions:
SHORT syndrome. Also called: SHORT STATURE, HYPEREXTENSIBILITY, HERNIA, OCULAR DEPRESSION, RIEGER ANOMALY, AND TEETHING DELAY; LIPODYSTROPHY, PARTIAL, WITH RIEGER ANOMALY AND SHORT STATURE; PIK3R1-Related SHORT Syndrome. Identifiers: Orphanet 3163, MedGen C0878684, MONDO:0010026, OMIM 269880.

Submission:

Clinical Genomics Laboratory, Washington University in St. Louis
Classification: Uncertain significance for SHORT syndrome. Last evaluated: 2025-08-12. Review status: criteria provided, single submitter. Criteria: ACMG Guidelines, 2015. Collection method: clinical testing. Allele origin: germline.
Comment: The PIK3R1 c.1094A>G (p.His365Arg) variant has not been reported in the medical literature to our knowledge. This variant is absent from the general population (gnomAD v.4.1.0), indicating it is not a common variant. Computational predictors are uncertain as to the impact of this variant on PIK3R1 function. Due to limited information, and based on ACMG/AMP guidelines for variant interpretation (Richards S et al., PMID: 25741868), the clinical significance of this variant is uncertain at this time.

NM_181523.3(PIK3R1):c.1094A>G (p.His365Arg)

Gene: PIK3R1 (phosphoinositide-3-kinase regulatory subunit 1; plus strand). Cytogenetic location: 5q13.1.
Variant type: single nucleotide variant.
Coding change: c.1094A>G on transcript NM_181523.3 (MANE Select); coding-DNA position 1094, A replaced by G.
Protein change: p.His365Arg; replaces histidine 365 with arginine.
Molecular consequence: missense variant.
Genome position (GRCh38, 1-based): chr5:68,293,175, A>G. VCF-style: chr5-68293175-A-G. GRCh37 (hg19) VCF-style: chr5-67589003-A-G.
Other names: c.5A>G, p.His2Arg (NM_001242466.2); c.284A>G, p.His95Arg (NM_181504.4); c.194A>G, p.His65Arg (NM_181524.2); short protein forms H2R, H365R, H65R, H95R.
Identifiers: ClinVar variation 4279898 (VCV004279898.1).
Genomic context (GRCh38, chr5:68,293,175, plus strand): 5'-AAAAACTTCGAGATACAGCAGACGGGACCTTTTTGGTACGAGATGCGTCTACTAAAATGC[A>G]TGGTGATTATACTCTTACACTAAGGTAAGCCAGGGAATATAGCTGAAATTAGGGTTTTGG-3'
Protein context (NP_852664.1, residues 355-375): FLVRDASTKM[His365Arg]GDYTLTLRKG